The following is an entry in ClinVar:

ClinVar aggregate classification (germline): Likely pathogenic (1 of 4 stars; one submission).

Conditions:
CFTR-related disorder (CFTR-RD). Also called: CFTR-related disorders; CFTR-related condition. Identifiers: MedGen C5924204, MONDO:7770004.

Submission:

Natera, Inc.
Classification: Likely pathogenic for CFTR-related disorders. Last evaluated: 2025-12-14. Review status: criteria provided, single submitter. Criteria: Natera Variant Classification Schema (03/2026). Collection method: clinical testing. Allele origin: germline.
Comment: The c.1927_1931del variant in CFTR is a frameshift variant predicted to shift the reading frame beginning at codon 643 and leads to a stop codon 4 codons downstream. This variant is expected to result in nonsense mediated decay, truncation, or a dysfunctional protein product. This variant is rare in the general population with a frequency below the threshold expected for the associated phenotype(s). Given the available evidence, this variant is classified as Likely Pathogenic.

NM_000492.4(CFTR):c.1927_1931del (p.Lys643fs)

Gene: CFTR (CF transmembrane conductance regulator; plus strand). Cytogenetic location: 7q31.2.
Variant type: Deletion.
Coding change: c.1927_1931del on transcript NM_000492.4 (MANE Select); coding-DNA positions 1927 to 1931, 5 bases deleted (AAACT; older notation c.1927_1931delAAACT).
Protein change: p.Lys643fs; shifts the reading frame from lysine 643.
Molecular consequence: frameshift variant.
Genome position (GRCh38, 1-based): chr7:117,592,094-117,592,098, AAACT deleted. VCF-style (leftmost placement, unchanged base first): chr7-117592093-AAAACT-A. GRCh37 (hg19) VCF-style: chr7-117232147-AAAACT-A.
Other names: c.1927_1931delAAACT, p.Lys643Hisfs (NM_000492.3); short protein forms K643fs.
Identifiers: ClinVar variation 4818489 (VCV004818489.1).
Genomic context (GRCh38, chr7:117,592,093, plus strand): 5'-TAGCAGCTATTTTTATGGGACATTTTCAGAACTCCAAAATCTACAGCCAGACTTTAGCTC[AAAACT>A]CATGGGATGTGATTCTTTCGACCAATTTAGTGCAGAAAGAAGAAATTCAATCCTAACTGA-3'